The following continues an entry in ClinVar:

NM_000059.4(BRCA2):c.1832C>A (p.Ser611Ter)

Gene: BRCA2. ClinVar aggregate classification (germline): Pathogenic. Pathogenic (1).

Submissions 11 to 21 of 21:

Quest Diagnostics Nichols Institute San Juan Capistrano
Classification: Pathogenic. Last evaluated: 2022-05-16. Review status: criteria provided, single submitter. Criteria: Quest Diagnostics criteria. Collection method: clinical testing. Allele origin: unknown. Not counted in ClinVar's aggregate classification.
Comment: The variant creates a premature nonsense codon, and is therefore predicted to result in the loss of a functional protein. In the published literature, this variant has been reported in individuals with breast and ovarian cancer in the published literature (PMID: 31825140 (2019), 30702160 (2019), 29446198 (2018), 26848529 (2016), 26681312 (2015), 26552643 (2015), 26187060 (2015), 23318652 (2013), 21614564 (2012), 15131399 (2004)). This variant has not been reported in large, multi-ethnic general populations (Genome Aggregation Database). Based on the available information, this variant is classified as pathogenic.

GeneDx
Classification: Pathogenic. Last evaluated: 2021-12-09. Review status: criteria provided, single submitter. Criteria: GeneDx Variant Classification Process June 2021. Collection method: clinical testing. Allele origin: germline. Affected: yes. Not counted in ClinVar's aggregate classification.
Comment: Nonsense variant predicted to result in protein truncation or nonsense mediated decay in a gene for which loss-of-function is a known mechanism of disease; Not observed in large population cohorts (Lek 2016); Truncating variants in this gene are considered pathogenic by a well-established clinical consortium and/or database; Also known as 2060C>A; This variant is associated with the following publications: (PMID: 25085752, 26552643, 21614564, 15131399, 25525159, 26681312, 26187060, 26848529, 25151137, 28918466, 29446198, 30702160, 32341426, 31825140, 30787465)

Sema4
Classification: Pathogenic for Hereditary cancer-predisposing syndrome. Last evaluated: 2021-06-17. Review status: criteria provided, single submitter. Criteria: Sema4 Curation Guidelines. Collection method: curation. Allele origin: germline. Not counted in ClinVar's aggregate classification.
Comment: The BRCA2 c.1832C>A (p.S611X) variant has been reported in heterozygosity in at least 13 individuals with breast and/or ovarian cancer (PMID: 30702160, 25480878, 26848529). It is also known as 2060C>A in the literature. This nonsense variant creates a premature stop codon at residue 611 of the BRCA2 protein. Loss of function variants in BRCA2 are known to be pathogenic (PMID: 20104584). This variant is not reported in the Genome Aggregation Database (PMID: 32461654). This variant has been reported in ClinVar (Variation ID: 37764). Based on the current evidence available, this variant is interpreted as pathogenic.

Human Genome Sequencing Center Clinical Lab, Baylor College of Medicine
Classification: Pathogenic for hereditary breast and ovarian cancer syndrome. Last evaluated: 2021-04-10. Review status: criteria provided, single submitter. Criteria: ACMG Guidelines, 2015. Collection method: clinical testing. Allele origin: unknown. Not counted in ClinVar's aggregate classification.
Comment: The c.1832C>A (p.Ser611*) variant in the BRCA2 gene is located on the exon 10 and introduces a premature translation termination codon (p.Ser611*), resulting in an absent or disrupted protein product. The variant has been reported in multiple individuals with breast and/or ovarian cancer (PMID: 26848529, 26552643, 15131399, 26681312). Loss-of-function variants in BRCA2 gene are known to be pathogenic (PMID: 8988179, 11897832, 29446198). The variant is reported in ClinVar as pathogenic (ID: 37764) and reviewed by the expert panel. The variant is absent in the general population database (gnomAD). Therefore, the c.1832C>A (p.Ser611*) variant in the BRCA2 gene has been classified as pathogenic.

Women's Health and Genetics/Laboratory Corporation of America, LabCorp
Classification: Pathogenic for Hereditary breast ovarian cancer syndrome. Last evaluated: 2016-08-04. Review status: criteria provided, single submitter. Criteria: LabCorp Variant Classification Summary - May 2015. Collection method: clinical testing. Allele origin: germline. Not counted in ClinVar's aggregate classification.
Comment: Variant summary: The BRCA2 c.1832C>A (p.Ser611X) variant results in a premature termination codon, predicted to cause a truncated or absent BRCA2 protein due to nonsense mediated decay, which are commonly known mechanisms for disease. Truncations downstream of this position have been classified as pathogenic by our laboratory (e.g. c.1842dupT (p.Asn615X) and c.1855C>T (p.Gln619X). The variant of interest was not found in controls (ExAC, 1000 Gs or ESP) and has been reported in multiple affected individuals. In addition, multiple reputable databases/clinical laboratories classify the variant as "pathogenic." Therefore, the variant of interest has been classified as Pathogenic.

Consortium of Investigators of Modifiers of BRCA1/2 (CIMBA), c/o University of Cambridge
Classification: Pathogenic for Breast-ovarian cancer, familial, susceptibility to, 2. Last evaluated: 2015-10-02. Review status: criteria provided, single submitter. Criteria: CIMBA Mutation Classification guidelines May 2016. Collection method: clinical testing. Allele origin: germline. Not counted in ClinVar's aggregate classification.

BRCAlab, Lund University
Classification: Pathogenic for Breast-ovarian cancer, familial, susceptibility to, 2. Last evaluated: 2022-08-26. Review status: no assertion criteria provided. Collection method: clinical testing. Allele origin: germline. Affected: yes. Not counted in ClinVar's aggregate classification.

Research Molecular Genetics Laboratory, Women's College Hospital, University of Toronto
Classification: Pathogenic for Hereditary breast ovarian cancer syndrome. Last evaluated: 2014-01-31. Review status: no assertion criteria provided. Collection method: research. Allele origin: germline. Affected: yes. Study: The Canadian Open Genetics Repository (COGR). Not counted in ClinVar's aggregate classification.

Sharing Clinical Reports Project (SCRP)
Classification: Pathogenic for Breast-ovarian cancer, familial 2. Last evaluated: 2011-12-22. Review status: no assertion criteria provided. Collection method: clinical testing. Allele origin: germline. Not counted in ClinVar's aggregate classification.

Breast Cancer Information Core (BIC) (BRCA2)
Classification: Pathogenic for Breast-ovarian cancer, familial 2. Last evaluated: 2002-05-29. Review status: no assertion criteria provided. Collection method: clinical testing. Allele origin: germline. Affected: yes. Observed: 14 variant alleles. Not counted in ClinVar's aggregate classification.

Department of Pathology and Laboratory Medicine, Sinai Health System
Classification: Pathogenic for Malignant tumor of breast. Review status: no assertion criteria provided. Collection method: clinical testing. Allele origin: unknown. Affected: yes. Study: The Canadian Open Genetics Repository (COGR). Not counted in ClinVar's aggregate classification.
Comment: The BRCA2 p.Ser611X variant was identified in 1 of 880 proband chromosomes (frequency: 0.001) from individuals or families with breast or ovarian cancer (Lubinski 2004). The variant was also identified in dbSNP (ID: rs80358474) â€šÃ„ÃºWith Pathogenic alleleâ€šÃ„Ã¹, HGMD, LOVD, the BIC database (14X with clinical importance; classified as pathogenic), the ClinVar database (classified pathogenic by Ambry Genetics, and by the Sharing Clinical Reports Project (derived from Myriad reports)). The p.Ser611X variant leads to a premature stop codon at position 611, which is predicted to lead to a truncated or absent protein and loss of function. Loss of function variants of the BRCA2 gene are an established mechanism of disease in hereditary breast and ovarian cancer and is the type of variant expected to cause the disorder. In summary, based on the above information, this variant meets our laboratoryâ€šÃ„Ã´s criteria to be classified as pathogenic.

Literature cited by the submitters: PubMed 15131399 (cited by 7 submitters); PubMed 21614564 (cited by 6 submitters); PubMed 23318652 (cited by Ambry Genetics and Quest Diagnostics Nichols Institute San Juan Capistrano); PubMed 25085752 (cited by Ambry Genetics); PubMed 26681312 (cited by 6 submitters); PubMed 29446198 (cited by Ambry Genetics and Quest Diagnostics Nichols Institute San Juan Capistrano); PubMed 20104584 (cited by Labcorp Genetics (formerly Invitae), Labcorp and Sema4); PubMed 24156927 (cited by 3 submitters); PubMed 26187060 (cited by Labcorp Genetics (formerly Invitae), Labcorp and Quest Diagnostics Nichols Institute San Juan Capistrano); PubMed 26848529 (cited by 4 submitters); PubMed 25480878 (cited by Mayo Clinic Laboratories, Mayo Clinic and Sema4); PubMed 25151137 (cited by All of Us Research Program, National Institutes of Health and Color Diagnostics, LLC DBA Color Health); PubMed 33471991 (cited by All of Us Research Program, National Institutes of Health and Color Diagnostics, LLC DBA Color Health); PubMed 20301425 (cited by Variantyx, Inc.); PubMed 26552643 (cited by Quest Diagnostics Nichols Institute San Juan Capistrano); PubMed 30702160 (cited by Quest Diagnostics Nichols Institute San Juan Capistrano and Sema4); PubMed 31825140 (cited by Quest Diagnostics Nichols Institute San Juan Capistrano); PubMed 26295337 (cited by Quest Diagnostics Nichols Institute San Juan Capistrano).